The following is an entry in ClinVar:

NM_001166108.2(PALLD):c.1965-12732C>T

Gene: PALLD (palladin, cytoskeletal associated protein; plus strand). Cytogenetic location: 4q32.3.
Variant type: single nucleotide variant.
Coding change: c.1965-12732C>T on transcript NM_001166108.2 (MANE Select); 12732 bases into the intron before coding-DNA position 1965, C replaced by T.
Molecular consequence: intron variant. On other transcripts: missense variant (1).
Genome position (GRCh38, 1-based): chr4:168,878,190, C>T. VCF-style: chr4-168878190-C-T. GRCh37 (hg19) VCF-style: chr4-169799341-C-T.
Other names: c.299C>T, p.Ala100Val (NM_001166110.2); c.1965-12732C>T (NM_016081.4); c.819-12732C>T (NM_001166109.2); c.-157-12732C>T (NM_001367570.1, NM_001367568.1, NM_001367567.1 and 1 more transcripts); short protein forms A100V.
Identifiers: ClinVar variation 5026216 (VCV005026216.1).

ClinVar aggregate classification (germline): Uncertain significance (1 of 4 stars; one submission).

Submission:

Ambry Genetics
Classification: Uncertain significance. Last evaluated: 2026-06-24. Review status: criteria provided, single submitter. Criteria: Ambry Variant Classification Scheme 2023. Collection method: clinical testing. Allele origin: germline.
Comment: The p.A100V variant (also known as c.299C>T), located in coding exon 1 of the PALLD gene, results from a C to T substitution at nucleotide position 299. The alanine at codon 100 is replaced by valine, an amino acid with similar properties. This amino acid position is conserved. In addition, this alteration is predicted to be tolerated by in silico analysis. Based on the available evidence, the clinical significance of this variant remains unclear.